The following is an entry in ClinVar:

NM_014974.3(DIP2C):c.990C>G (p.Ile330Met)

Gene: DIP2C (DIP2 acetate--CoA ligase C (putative); minus strand). Cytogenetic location: 10p15.3.
Variant type: single nucleotide variant.
Coding change: c.990C>G on transcript NM_014974.3 (MANE Select); coding-DNA position 990, C replaced by G.
Protein change: p.Ile330Met; replaces isoleucine 330 with methionine.
Molecular consequence: missense variant.
Genome position (GRCh38, 1-based): chr10:413,980, G>C on the plus strand (C>G on the coding strand, the complement: DIP2C is on the minus strand). VCF-style: chr10-413980-G-C. GRCh37 (hg19) VCF-style: chr10-459920-G-C.
Other names: short protein forms I330M.
Identifiers: ClinVar variation 2766583 (VCV002766583.3), dbSNP rs2540884765, ClinGen allele CA375831982.

ClinVar aggregate classification (germline): Uncertain significance (1 of 4 stars; one submission).

Allele frequency attached by ClinVar (database versions not stated): gnomAD exomes below 0.00001.
gnomAD v4.1: 2 of 1,614,238 alleles (0.00012%); highest among the groups gnomAD compares: Non-Finnish European, 0.000085%; no homozygotes.

Submission:

Labcorp Genetics (formerly Invitae), Labcorp
Classification: Uncertain significance. Last evaluated: 2023-06-28. Review status: criteria provided, single submitter. Criteria: Invitae Variant Classification Sherloc (09022015). Collection method: clinical testing. Allele origin: germline.
Comment: This sequence change replaces isoleucine, which is neutral and non-polar, with methionine, which is neutral and non-polar, at codon 330 of the DIP2C protein (p.Ile330Met). In summary, the available evidence is currently insufficient to determine the role of this variant in disease. Therefore, it has been classified as a Variant of Uncertain Significance. An algorithm developed to predict the effect of missense changes on protein structure and function (PolyPhen-2) suggests that this variant is likely to be disruptive. This variant has not been reported in the literature in individuals affected with DIP2C-related conditions. This variant is not present in population databases (gnomAD no frequency).